The following is an entry in ClinVar:

ClinVar aggregate classification (germline): Uncertain significance (1 of 4 stars; one submission).

Conditions:
CDH1-related disorder. Also called: CDH1-related condition.

Submission:

PreventionGenetics, part of Exact Sciences
Classification: Uncertain significance for CDH1-related condition. Last evaluated: 2022-12-20. Review status: criteria provided, single submitter. Criteria: ACMG Guidelines, 2015. Collection method: clinical testing. Allele origin: germline.
Comment: The CDH1 c.761A>G variant is predicted to result in the amino acid substitution p.Asp254Gly. To our knowledge, this variant has not been reported in the literature or in a large population database, indicating this variant is rare. Alternative nucleotide changes affecting the same amino acid (p.Asp254Asn and p.Asp254Tyr) have been reported in individuals with nonsyndromic cleft lip and/or palate (Brito et al. 2015. PubMed ID: 26123647; Cox et al. 2018. PubMed ID: 29805042), and blepharocheilodontic syndrome (Kievit et al. 2018. PubMed ID: 29348693; Ghoumid et al. 2017. PubMed ID: 28301459). Although we suspect that this variant may be pathogenic, at this time, the clinical significance of this variant is uncertain due to the absence of conclusive functional and genetic evidence.

NM_004360.5(CDH1):c.761A>G (p.Asp254Gly)

Gene: CDH1 (cadherin 1; plus strand). Cytogenetic location: 16q22.1.
Variant type: single nucleotide variant.
Coding change: c.761A>G on transcript NM_004360.5 (MANE Select); coding-DNA position 761, A replaced by G.
Protein change: p.Asp254Gly; replaces aspartic acid 254 with glycine.
Molecular consequence: missense variant. On other transcripts: 5 prime UTR variant (2).
Genome position (GRCh38, 1-based): chr16:68,810,270, A>G. VCF-style: chr16-68810270-A-G. GRCh37 (hg19) VCF-style: chr16-68844173-A-G.
Other names: c.761A>G, p.Asp254Gly (NM_001317184.2); c.-855A>G (NM_001317185.2); c.-1059A>G (NM_001317186.2); short protein forms D254G.
Identifiers: ClinVar variation 2629782 (VCV002629782.1), dbSNP rs2152131087, ClinGen allele CA396458617.